The following is an entry in ClinVar:

ClinVar aggregate classification (germline): Likely pathogenic (1 of 4 stars; one submission).

Conditions:
Cardiovascular phenotype. Identifiers: MedGen CN230736.

Submission:

Ambry Genetics
Classification: Likely pathogenic for Cardiovascular phenotype. Last evaluated: 2023-04-27. Review status: criteria provided, single submitter. Criteria: Ambry Variant Classification Scheme 2023. Collection method: clinical testing. Allele origin: germline.
Comment: The c.2413+2T>A intronic variant results from a T to A substitution two nucleotides after coding exon 24 in the MYBPC3 gene. Alterations that disrupt the canonical splice site are expected to result in aberrant splicing. In silico splice site analysis predicts that this alteration will weaken the native splice donor site. The resulting transcript is predicted to be in-frame and is not expected to trigger nonsense-mediated mRNAdecay; however, direct evidence is unavailable. The exact functional effect of the altered amino acid sequence is unknown; however, the impacted region is critical for protein function (Ambry internal data). Another alteration impacting the same donor site (c.2413+1G>A) has been described in association with hypertrophic cardiomyopathy (HCM) (Ehlermann P et al. BMC Med Genet, 2008 Oct;9:95). This variant is considered to be rare based on population cohorts in the Genome Aggregation Database (gnomAD). This nucleotide position is highly conserved in available vertebrate species. Based on the majority of available evidence to date, this variant is likely to be pathogenic.

NM_000256.3(MYBPC3):c.2413+2T>A

Gene: MYBPC3 (myosin binding protein C3; minus strand). Cytogenetic location: 11p11.2.
Variant type: single nucleotide variant.
Coding change: c.2413+2T>A on transcript NM_000256.3 (MANE Select); the canonical splice donor site of the intron after coding-DNA position 2413, T replaced by A.
Molecular consequence: splice donor variant.
Genome position (GRCh38, 1-based): chr11:47,337,688, A>T on the plus strand (T>A on the coding strand, the complement: MYBPC3 is on the minus strand). VCF-style: chr11-47337688-A-T. GRCh37 (hg19) VCF-style: chr11-47359239-A-T.
Identifiers: ClinVar variation 2563086 (VCV002563086.2), dbSNP rs2495750255, ClinGen allele CA380318568.